The following is an entry in ClinVar:

ClinVar aggregate classification (germline): Uncertain significance (1 of 4 stars; one submission).

Conditions:
Hereditary nonpolyposis colorectal neoplasms. Identifiers: MedGen C0009405, MeSH D003123.

Submission:

Labcorp Genetics (formerly Invitae), Labcorp
Classification: Uncertain significance for Hereditary nonpolyposis colorectal neoplasms. Last evaluated: 2022-05-04. Review status: criteria provided, single submitter. Criteria: Invitae Variant Classification Sherloc (09022015). Collection method: clinical testing. Allele origin: germline.
Comment: In summary, the available evidence is currently insufficient to determine the role of this variant in disease. Therefore, it has been classified as a Variant of Uncertain Significance. Advanced modeling of protein sequence and biophysical properties (such as structural, functional, and spatial information, amino acid conservation, physicochemical variation, residue mobility, and thermodynamic stability) performed at Invitae indicates that this missense variant is not expected to disrupt MSH6 protein function. This variant has not been reported in the literature in individuals affected with MSH6-related conditions. This variant is not present in population databases (gnomAD no frequency). This sequence change replaces serine, which is neutral and polar, with alanine, which is neutral and non-polar, at codon 806 of the MSH6 protein (p.Ser806Ala).

NM_000179.3(MSH6):c.2416T>G (p.Ser806Ala)

Gene: MSH6 (mutS homolog 6; plus strand). Cytogenetic location: 2p16.3.
Variant type: single nucleotide variant.
Coding change: c.2416T>G on transcript NM_000179.3 (MANE Select); coding-DNA position 2416, T replaced by G.
Protein change: p.Ser806Ala; replaces serine 806 with alanine.
Molecular consequence: missense variant.
Genome position (GRCh38, 1-based): chr2:47,800,399, T>G. VCF-style: chr2-47800399-T-G. GRCh37 (hg19) VCF-style: chr2-48027538-T-G.
Other names: c.1510T>G, p.Ser504Ala (NM_001406812.1, NM_001406814.1, NM_001406815.1 and 6 more transcripts); c.2422T>G, p.Ser808Ala (NM_001406813.1); c.2119T>G, p.Ser707Ala (NM_001406818.1, NM_001406819.1, NM_001406820.1 and 10 more transcripts); c.2026T>G, p.Ser676Ala (NM_001281492.2); c.2512T>G, p.Ser838Ala (NM_001406795.1, NM_001406802.1); c.2416T>G, p.Ser806Ala (NM_001406796.1, NM_001406798.1, NM_001406800.1 and 2 more transcripts); c.1891T>G, p.Ser631Ala (NM_001406799.1, NM_001406806.1, NM_001406807.1); c.2338T>G, p.Ser780Ala (NM_001406804.1); and 1 more; short protein forms S504A, S750A, S707A, S806A, S631A, S838A, S676A, S780A.
Identifiers: ClinVar variation 2133600 (VCV002133600.4), dbSNP rs1669459644, ClinGen allele CA346754002.